The following is an entry in ClinVar:

NM_017433.5(MYO3A):c.531T>G (p.Ser177Arg)

Gene: MYO3A (myosin IIIA; plus strand). Cytogenetic location: 10p12.1.
Variant type: single nucleotide variant.
Coding change: c.531T>G on transcript NM_017433.5 (MANE Select); coding-DNA position 531, T replaced by G.
Protein change: p.Ser177Arg; replaces serine 177 with arginine.
Molecular consequence: missense variant.
Genome position (GRCh38, 1-based): chr10:26,016,842, T>G. VCF-style: chr10-26016842-T-G. GRCh37 (hg19) VCF-style: chr10-26305771-T-G.
Other names: c.531T>G, p.Ser177Arg (NM_001368265.1); short protein forms S177R.
Identifiers: ClinVar variation 1315230 (VCV001315230.2), dbSNP rs1346197951, ClinGen allele CA376332501.

ClinVar aggregate classification (germline): Uncertain significance (1 of 4 stars; one submission).

gnomAD v4.1: 14 of 1,614,202 alleles (0.00087%); highest among the groups gnomAD compares: Non-Finnish European, 0.0011%; no homozygotes.

Submission:

GeneDx
Classification: Uncertain significance. Last evaluated: 2020-02-04. Review status: criteria provided, single submitter. Criteria: GeneDx Variant Classification Process June 2021. Collection method: clinical testing. Allele origin: germline. Affected: yes.
Comment: Not observed at a significant frequency in large population cohorts (Lek et al., 2016); In silico analysis supports that this missense variant has a deleterious effect on protein structure/function; Has not been previously published as pathogenic or benign to our knowledge